The following is an entry in ClinVar:

NM_000127.3(EXT1):c.1784_1785del (p.Arg595fs)

Gene: EXT1 (exostosin glycosyltransferase 1; minus strand). Cytogenetic location: 8q24.11.
Variant type: Microsatellite.
Coding change: c.1784_1785del on transcript NM_000127.3 (MANE Select); coding-DNA positions 1784 to 1785, 2 bases deleted (GC; older notation c.1784_1785delGC).
Protein change: p.Arg595fs; shifts the reading frame from arginine 595.
Molecular consequence: frameshift variant.
Genome position (GRCh38, 1-based): chr8:117,807,315-117,807,316, GC deleted on the plus strand (GC on the coding strand, the reverse complement: EXT1 is on the minus strand); deleting any 2 consecutive bases within chr8:117,807,315-117,807,321 gives the same sequence; the c. name uses the placement nearest the transcript's 3' end. VCF-style (leftmost placement, unchanged base first): chr8-117807314-TGC-T. GRCh37 (hg19) VCF-style: chr8-118819553-TGC-T.
Other names: short protein forms R595fs.
Identifiers: ClinVar variation 2735197 (VCV002735197.4), dbSNP rs2488089308, ClinGen allele CA2695210111.
Genomic context (GRCh38, chr8:117,807,314, plus strand): 5'-AGTCGTTCGTCCACTTTGATGTGTATCCCCACCGCTCCTTAGAGTTATCCCAGAAGTGGC[TGC>T]GCGCGGGGTACCCCACAATCCTCTCAGGGAAGCTCTGCCACACTGTGAAGGCGAAATCCA-3'

ClinVar aggregate classification (germline): Pathogenic. Review status: criteria provided, multiple submitters, no conflicts (2 of 4 stars). 2 submissions from 2 submitters: Pathogenic (2). Last evaluated 2024-01-10.

Conditions:
EXT1-related disorders.
Multiple congenital exostosis (EXT). Also called: Multiple osteochondromas; Hereditary multiple osteochondromas; MULTIPLE CARTILAGINOUS EXOSTOSES; Multiple exostoses; Hereditary multiple exostoses; Hereditary multiple exostosis. Identifiers: Orphanet 321, MedGen C0015306, MONDO:0005508, HP:0002762.

Submissions (2):

Blueprint Genetics
Classification: Pathogenic for EXT1-related disorders. Last evaluated: 2024-01-10. Review status: criteria provided, single submitter. Criteria: ACMG Guidelines, 2015. Collection method: clinical testing. Allele origin: germline. Affected: yes. Observed: 1 variant allele.

Labcorp Genetics (formerly Invitae), Labcorp
Classification: Pathogenic for Multiple congenital exostosis. Last evaluated: 2023-04-22. Review status: criteria provided, single submitter. Criteria: Invitae Variant Classification Sherloc (09022015). Collection method: clinical testing. Allele origin: germline.
Comment: For these reasons, this variant has been classified as Pathogenic. This premature translational stop signal has been observed in individual(s) with hereditary multiple osteochondromatosis (PMID: 11432960, 30334991). This variant is not present in population databases (gnomAD no frequency). This sequence change creates a premature translational stop signal (p.Arg595Glnfs*6) in the EXT1 gene. It is expected to result in an absent or disrupted protein product. Loss-of-function variants in EXT1 are known to be pathogenic (PMID: 10679937, 11391482, 19810120).

Literature cited by the submitters: PubMed 11432960 (cited by Labcorp Genetics (formerly Invitae), Labcorp); PubMed 30334991 (cited by Labcorp Genetics (formerly Invitae), Labcorp); PubMed 10679937 (cited by Labcorp Genetics (formerly Invitae), Labcorp); PubMed 11391482 (cited by Labcorp Genetics (formerly Invitae), Labcorp); PubMed 19810120 (cited by Labcorp Genetics (formerly Invitae), Labcorp).